The following is an entry in ClinVar:

NM_018979.4(WNK1):c.3597A>G (p.Glu1199=)

Gene: WNK1 (WNK lysine deficient protein kinase 1; plus strand). Cytogenetic location: 12p13.33.
Variant type: single nucleotide variant.
Coding change: c.3597A>G on transcript NM_018979.4 (MANE Select); coding-DNA position 3597, A replaced by G.
Protein change: p.Glu1199=; no amino-acid change (glutamic acid 1199 retained).
Molecular consequence: synonymous variant.
Genome position (GRCh38, 1-based): chr12:883,502, A>G. VCF-style: chr12-883502-A-G. GRCh37 (hg19) VCF-style: chr12-992668-A-G.
Other names: c.4377A>G, p.Glu1459= (NM_001184985.2); c.2856A>G, p.Glu952= (NM_014823.3); c.4353A>G, p.Glu1451= (NM_213655.5).
Identifiers: ClinVar variation 471183 (VCV000471183.10), dbSNP rs777111973, ClinGen allele CA6382805.

ClinVar aggregate classification (germline): Likely benign. Review status: criteria provided, multiple submitters, no conflicts (2 of 4 stars). 3 submissions from 3 submitters: Likely benign (3). Last evaluated 2025-11-18.

Conditions:
WNK1-related disorder. Also called: WNK1-related condition.
Neuropathy, hereditary sensory and autonomic, type 2A (HSAN2A). Also called: HSAN IIA; ACROOSTEOLYSIS, GIACCAI TYPE; ACROOSTEOLYSIS, NEUROGENIC; MORVAN DISEASE; NEUROPATHY, CONGENITAL SENSORY; NEUROPATHY, HEREDITARY SENSORY RADICULAR, AUTOSOMAL RECESSIVE. Identifiers: Orphanet 970, MedGen C2752089, MONDO:0024309, OMIM 201300.
Pseudohypoaldosteronism type 2C (PHA2C). Also called: Pseudohypoaldosteronism Type IIC. Identifiers: Orphanet 757, Orphanet 88940, MedGen C1840391, MONDO:0013778, OMIM 614492.

Allele frequency attached by ClinVar (database versions not stated): TOPMed 0.00003; gnomAD 0.00004 and 0.00005; gnomAD exomes 0.00006 and 0.00010; ExAC 0.00010.
gnomAD v4.1: 94 of 1,614,076 alleles (0.0058%); highest among the groups gnomAD compares: South Asian, 0.052%; no homozygotes.

Submissions (3):

Labcorp Genetics (formerly Invitae), Labcorp
Classification: Likely benign for Neuropathy, hereditary sensory and autonomic, type 2A; Pseudohypoaldosteronism type 2C. Last evaluated: 2025-11-18. Review status: criteria provided, single submitter. Criteria: Invitae Variant Classification Sherloc (09022015). Collection method: clinical testing. Allele origin: germline.

PreventionGenetics, part of Exact Sciences
Classification: Likely benign for WNK1-related condition. Last evaluated: 2025-02-21. Review status: criteria provided, single submitter. Criteria: ACMG Guidelines, 2015. Collection method: clinical testing. Allele origin: germline.
Comment: This variant is classified as likely benign based on ACMG/AMP sequence variant interpretation guidelines (Richards et al. 2015 PMID: 25741868, with internal and published modifications).

Blueprint Genetics
Classification: Likely benign. Last evaluated: 2024-08-04. Review status: criteria provided, single submitter. Criteria: ACMG Guidelines, 2015. Collection method: clinical testing. Allele origin: germline.